The following is an entry in ClinVar:

NM_021095.4(SLC5A6):c.422_423del (p.Val141fs)

Gene: SLC5A6 (solute carrier family 5 member 6; minus strand). Cytogenetic location: 2p23.3.
Variant type: Microsatellite.
Coding change: c.422_423del on transcript NM_021095.4 (MANE Select); coding-DNA positions 422 to 423, 2 bases deleted (TG; older notation c.422_423delTG).
Protein change: p.Val141fs; shifts the reading frame from valine 141.
Molecular consequence: frameshift variant. On other transcripts: non-coding transcript variant (1).
Genome position (GRCh38, 1-based): chr2:27,206,913-27,206,914, CA deleted on the plus strand (TG on the coding strand, the reverse complement: SLC5A6 is on the minus strand); deleting any 2 consecutive bases within chr2:27,206,913-27,206,916 gives the same sequence; the c. name uses the placement nearest the transcript's 3' end. VCF-style (leftmost placement, unchanged base first): chr2-27206912-GCA-G. GRCh37 (hg19) VCF-style: chr2-27429780-GCA-G.
Other names: c.422_423del (NM_021095.2); c.422_423delTG (NM_021095.2); short protein forms V141fs.
Identifiers: ClinVar variation 975021 (VCV000975021.14), dbSNP rs749980819, ClinGen allele CA1571844.

ClinVar aggregate classification (germline): Pathogenic/Likely pathogenic. Review status: criteria provided, multiple submitters, no conflicts (2 of 4 stars). 5 submissions from 5 submitters: Pathogenic (1); Likely pathogenic (3). 1 of the submissions does not count toward it. Last evaluated 2026-09-07.

Conditions:
Neurodegeneration, infantile-onset, biotin-responsive. Also called: SODIUM-DEPENDENT MULTIVITAMIN TRANSPORTER DEFICIENCY; SMVT DEFICIENCY. Identifiers: Orphanet 521268, MedGen C5436520, MONDO:0033546, OMIM 618973.

Submissions (5):

GeneDx
Classification: Likely pathogenic. Last evaluated: 2026-09-07. Review status: criteria provided, single submitter. Criteria: GeneDx Variant Classification Process June 2021. Collection method: clinical testing. Allele origin: germline.
Comment: Functional studies suggest a damaging effect of impaired biotin uptake (PMID: 31754459); Frameshift variant predicted to result in protein truncation or nonsense mediated decay in a gene for which loss of function is a known mechanism of disease; This variant is associated with the following publications: (PMID: 35013551, Moldenhauer_2023_Abstract, 31392107, 31754459)

Women's Health and Genetics/Laboratory Corporation of America, LabCorp
Classification: Likely pathogenic for Neurodegeneration, infantile-onset, biotin-responsive. Last evaluated: 2022-12-24. Review status: criteria provided, single submitter. Criteria: LabCorp Variant Classification Summary - May 2015. Collection method: clinical testing. Allele origin: germline.
Comment: Variant summary: SLC5A6 c.422_423delTG (p.Val141Alafs*34) results in a premature termination codon, predicted to cause a truncation of the encoded protein or absence of the protein due to nonsense mediated decay, which are commonly known mechanisms for disease. The variant allele was found at a frequency of 9.5e-05 in 251472 control chromosomes. This frequency does not allow conclusions about variant significance. c.422_423delTG has been reported in the literature in individuals affected with Neurodegeneration, Infantile-Onset, Biotin-Responsive (example, Byrne_2019, Holling_2022 citing Schwantje_2019). These data indicate that the variant may be associated with disease. To our knowledge, no variant specific experimental evidence demonstrating an impact on protein function has been reported although expression of the Val141Alafs*34 truncated allele was decreased compared to wild-type (Byrne_2019). Four clinical diagnostic laboratories have submitted clinical-significance assessments for this variant to ClinVar after 2014 without evidence for independent evaluation. All laboratories classified the variant as pathogenic/likely pathogenic. Based on the evidence outlined above, the variant was classified as likely pathogenic.

Revvity Omics, Revvity
Classification: Pathogenic. Last evaluated: 2021-11-10. Review status: criteria provided, single submitter. Criteria: ACMG Guidelines, 2015. Collection method: clinical testing. Allele origin: germline.

Genetics and Molecular Pathology, SA Pathology
Classification: Likely pathogenic for Neurodegeneration, infantile-onset, biotin-responsive. Last evaluated: 2020-10-15. Review status: criteria provided, single submitter. Criteria: ACMG Guidelines, 2015. Collection method: clinical testing. Allele origin: germline. Inheritance: Autosomal recessive inheritance. Affected: yes.
Comment: The SLC5A6 c.422_423delTG frameshift variant is classified as LIKELY PATHOGENIC (PS4_supporting, PVS1) This SLC5A6 c.422_423delTG variant is located in exon 4 and is predicted to cause a shift in the reading frame at codon 141. This variant has been reported in a sibling pair with an infantile-onset, progressive neurodegerative disorder, in a compound heterozygous state with a missense variant (PMID: 31754459) (PS4_moderate). In that study, reduced expression of the frameshift allele is suggestive of nonsense-mediated decay. This variant is in dbSNP (rs749980819) and has been reported in population databases (gnomAD allele frequency = 0.010%, 29 het and 0 hom in 282846 sequenced alleles). This variant has been reported in the HGMD disease database as damaging for the neurodegenerative disorder listed above (CD1919409)

OMIM
Classification: Pathogenic for SODIUM-DEPENDENT MULTIVITAMIN TRANSPORTER DEFICIENCY. Last evaluated: 2022-06-02. Review status: no assertion criteria provided. Collection method: literature only. Allele origin: germline. Not counted in ClinVar's aggregate classification.

Literature cited by the submitters: PubMed 31754459 (cited by 3 submitters); PubMed 35013551 (cited by Women's Health and Genetics/Laboratory Corporation of America, LabCorp); PubMed 31392107 (cited by OMIM).